The following is an entry in ClinVar:

NM_006587.4(CORIN):c.2068+102C>T

Gene: CORIN (corin, serine peptidase; minus strand). Cytogenetic location: 4p12.
Variant type: single nucleotide variant.
Coding change: c.2068+102C>T on transcript NM_006587.4 (MANE Select); 102 bases into the intron after coding-DNA position 2068, C replaced by T.
Molecular consequence: intron variant. On other transcripts: missense variant (1).
Genome position (GRCh38, 1-based): chr4:47,643,044, G>A on the plus strand (C>T on the coding strand, the complement: CORIN is on the minus strand). VCF-style: chr4-47643044-G-A. GRCh37 (hg19) VCF-style: chr4-47645061-G-A.
Other names: c.2059C>T, p.His687Tyr (NM_001278586.2); c.1756+102C>T (NM_001278585.2); c.2059C>T (NM_001278586.1); short protein forms H687Y.
Identifiers: ClinVar variation 1695093 (VCV001695093.32), dbSNP rs55932196, ClinGen allele CA2909475.

ClinVar aggregate classification (germline): Benign. Review status: criteria provided, single submitter (1 of 4 stars). 2 submissions from 2 submitters: Benign (1). 1 of the submissions does not count toward it. Last evaluated 2026-06-01.

Conditions:
CORIN-related disorder. Also called: CORIN-related condition.

Allele frequency attached by ClinVar (database versions not stated): 1000 Genomes Project 0.00439; 1000 Genomes Project 30x 0.00468; TOPMed 0.00754; gnomAD 0.00891 and 0.00925; gnomAD exomes 0.00926; ExAC 0.02642.
gnomAD v4.1: 15,478 of 1,578,336 alleles (0.98%); highest among the groups gnomAD compares: Non-Finnish European, 1.1%; 105 homozygotes.

Submissions (2):

CeGaT Center for Human Genetics Tuebingen
Classification: Benign. Last evaluated: 2026-06-01. Review status: criteria provided, single submitter. Criteria: CeGaT Center For Human Genetics Tuebingen Variant Classification Criteria Version 2. Collection method: clinical testing. Allele origin: germline. Affected: yes. Observed: 3 variant alleles.
Comment: CORIN: BP4, BS1, BS2

PreventionGenetics, part of Exact Sciences
Classification: Benign for CORIN-related condition. Last evaluated: 2020-03-03. Review status: no assertion criteria provided. Collection method: clinical testing. Allele origin: germline. Not counted in ClinVar's aggregate classification.
Comment: This variant is classified as benign based on ACMG/AMP sequence variant interpretation guidelines (Richards et al. 2015 PMID: 25741868, with internal and published modifications).